The following is an entry in ClinVar:

ClinVar aggregate classification (germline): Likely pathogenic (1 of 4 stars; one submission).

Allele frequency attached by ClinVar (database versions not stated): TOPMed below 0.00001.

Submissions (3):

Labcorp Genetics (formerly Invitae), Labcorp
Classification: Likely pathogenic. Last evaluated: 2022-07-01. Review status: criteria provided, single submitter. Criteria: Invitae Variant Classification Sherloc (09022015). Collection method: clinical testing. Allele origin: germline.
Comment: In summary, the currently available evidence indicates that the variant is pathogenic, but additional data are needed to prove that conclusively. Therefore, this variant has been classified as Likely Pathogenic. Algorithms developed to predict the effect of sequence changes on RNA splicing suggest that this variant may disrupt the consensus splice site. This variant has not been reported in the literature in individuals affected with INPPL1-related conditions. This variant is not present in population databases (gnomAD no frequency). This sequence change affects a donor splice site in intron 22 of the INPPL1 gene. It is expected to disrupt RNA splicing. Variants that disrupt the donor or acceptor splice site typically lead to a loss of protein function (PMID: 16199547), and loss-of-function variants in INPPL1 are known to be pathogenic (PMID: 23273567, 23273569).

Dr. Peter K. Rogan Lab, Western University
No classification provided (evidence only). Condition: Thyroid cancer, nonmedullary, 1. Review status: no classification provided. Collection method: in vitro. Allele origin: not applicable. Functional consequence: retained intron. Not counted in ClinVar's aggregate classification.

Dr. Peter K. Rogan Lab, Western University
No classification provided (evidence only). Condition: Thyroid cancer, nonmedullary, 1. Review status: no classification provided. Collection method: in vitro. Allele origin: not applicable. Functional consequence: skipped exon. Not counted in ClinVar's aggregate classification.

Literature cited by the submitters: PubMed 16199547 (cited by Labcorp Genetics (formerly Invitae), Labcorp); PubMed 23273567 (cited by Labcorp Genetics (formerly Invitae), Labcorp); PubMed 23273569 (cited by Labcorp Genetics (formerly Invitae), Labcorp).

NM_001567.4(INPPL1):c.2503+2T>C

Gene: INPPL1 (inositol polyphosphate phosphatase like 1; plus strand). Cytogenetic location: 11q13.4.
Variant type: single nucleotide variant.
Coding change: c.2503+2T>C on transcript NM_001567.4 (MANE Select); the canonical splice donor site of the intron after coding-DNA position 2503, T replaced by C.
Molecular consequence: splice donor variant.
Genome position (GRCh38, 1-based): chr11:72,235,205, T>C. VCF-style: chr11-72235205-T-C. GRCh37 (hg19) VCF-style: chr11-71946249-T-C.
Identifiers: ClinVar variation 2007596 (VCV002007596.5), dbSNP rs1948951076, ClinGen allele CA381735088.